The following is an entry in ClinVar:

ClinVar aggregate classification (germline): Benign/Likely benign. Review status: criteria provided, multiple submitters, no conflicts (2 of 4 stars). 14 submissions from 14 submitters: Benign (6); Likely benign (7). 1 of the submissions does not count toward it. Last evaluated 2026-07-09.

Conditions:
Intellectual disability, autosomal dominant 16 (CSS4). Also called: COFFIN-SIRIS SYNDROME 4. Identifiers: Orphanet 1465, MedGen C3553249, MONDO:0013821, OMIM 614609.
Rhabdoid tumor predisposition syndrome 2 (RTPS2). Identifiers: Orphanet 231108, Orphanet 69077, MedGen C2750074, MONDO:0013224, OMIM 613325.
Otosclerosis 12. Identifiers: MedGen C5935610, MONDO:0968980, OMIM 620792.
SMARCA4-related disorder. Also called: SMARCA4-related condition.
Coffin-Siris syndrome. Identifiers: Orphanet 1465, MedGen C0265338, MONDO:0015452.
Hereditary cancer-predisposing syndrome. Also called: Hereditary Cancer Syndrome; Tumor predisposition; Hereditary neoplastic syndrome; Neoplastic Syndromes, Hereditary. Identifiers: Orphanet 140162, MedGen C0027672, MeSH D009386, MONDO:0015356.

Allele frequency attached by ClinVar (database versions not stated): TOPMed 0.00023; gnomAD exomes 0.00023 and 0.00031; ExAC 0.00090; gnomAD 0.00023 and 0.00021.
gnomAD v4.1: 357 of 1,536,452 alleles (0.023%); highest among the groups gnomAD compares: Middle Eastern, 0.1%; no homozygotes.

Submissions (14):

Myriad Genetics, Inc.
Classification: Benign for Rhabdoid tumor predisposition syndrome 2. Last evaluated: 2026-07-09. Review status: criteria provided, single submitter. Criteria: Myriad Autosomal Dominant, Autosomal Recessive and X-Linked Classification Criteria (2023). Collection method: clinical testing. Allele origin: unknown.
Comment: This variant is considered benign. This variant is a silent/synonymous amino acid change and it is not expected to impact splicing.

CeGaT Center for Human Genetics Tuebingen
Classification: Likely benign. Last evaluated: 2026-04-01. Review status: criteria provided, single submitter. Criteria: CeGaT Center For Human Genetics Tuebingen Variant Classification Criteria Version 2. Collection method: clinical testing. Allele origin: germline. Affected: yes. Observed: 22 variant alleles.
Comment: SMARCA4: BP4, BP7

Labcorp Genetics (formerly Invitae), Labcorp
Classification: Benign for Rhabdoid tumor predisposition syndrome 2. Last evaluated: 2026-01-30. Review status: criteria provided, single submitter. Criteria: Invitae Variant Classification Sherloc (09022015). Collection method: clinical testing. Allele origin: germline.

Quest Diagnostics Nichols Institute San Juan Capistrano
Classification: Benign. Last evaluated: 2025-05-14. Review status: criteria provided, single submitter. Criteria: Quest Diagnostics criteria. Collection method: clinical testing. Allele origin: unknown.

Laboratory of Genetics, Children's Clinical University Hospital Latvia
Classification: Likely benign. Last evaluated: 2025-02-16. Review status: criteria provided, single submitter. Criteria: ACMG Guidelines, 2015. Collection method: clinical testing. Allele origin: germline. Affected: yes.

Blueprint Genetics
Classification: Likely benign. Last evaluated: 2024-11-07. Review status: criteria provided, single submitter. Criteria: ACMG Guidelines, 2015. Collection method: clinical testing. Allele origin: germline.

Department of Pathology and Laboratory Medicine, Sinai Health System
Classification: Likely benign for Rhabdoid tumor predisposition syndrome 2; Intellectual disability, autosomal dominant 16; Otosclerosis 12. Last evaluated: 2024-02-28. Review status: criteria provided, single submitter. Criteria: ACMG Guidelines, 2015. Collection method: clinical testing. Allele origin: germline. Affected: yes.

GeneDx
Classification: Likely benign. Last evaluated: 2021-08-27. Review status: criteria provided, single submitter. Criteria: GeneDx Variant Classification Process June 2021. Collection method: clinical testing. Allele origin: germline. Affected: yes.
Comment: This variant is associated with the following publications: (PMID: 24896178)

Genome-Nilou Lab
Classification: Benign for Intellectual disability, autosomal dominant 16. Last evaluated: 2021-07-15. Review status: criteria provided, single submitter. Criteria: ACMG Guidelines, 2015. Collection method: clinical testing. Allele origin: germline. Affected: no.

Sema4
Classification: Benign for Hereditary cancer-predisposing syndrome. Last evaluated: 2021-02-02. Review status: criteria provided, single submitter. Criteria: Sema4 Curation Guidelines. Collection method: curation. Allele origin: germline.

Illumina Laboratory Services, Illumina
Classification: Benign for Coffin-Siris syndrome. Last evaluated: 2018-01-13. Review status: criteria provided, single submitter. Criteria: ICSL Variant Classification Criteria 13 December 2019. Collection method: clinical testing. Allele origin: germline.
Comment: This variant was observed in the ICSL laboratory as part of a predisposition screen in an ostensibly healthy population. It had not been previously curated by ICSL or reported in the Human Gene Mutation Database (HGMD: prior to June 1st, 2018), and was therefore a candidate for classification through an automated scoring system. Utilizing variant allele frequency, disease prevalence and penetrance estimates, and inheritance mode, an automated score was calculated to assess if this variant is too frequent to cause the disease. Based on the score and internal cut-off values, a variant classified as benign is not then subjected to further curation. The score for this variant resulted in a classification of benign for this disease.

Genetic Services Laboratory, University of Chicago
Classification: Likely benign. Last evaluated: 2017-04-04. Review status: criteria provided, single submitter. Criteria: ACMG Guidelines, 2015. Collection method: clinical testing. Allele origin: germline. Affected: no.

Ambry Genetics
Classification: Likely benign for Hereditary cancer-predisposing syndrome. Last evaluated: 2015-10-11. Review status: criteria provided, single submitter. Criteria: Ambry Variant Classification Scheme 2023. Collection method: clinical testing. Allele origin: germline.

PreventionGenetics, part of Exact Sciences
Classification: Likely benign for SMARCA4-related condition. Last evaluated: 2019-10-03. Review status: no assertion criteria provided. Collection method: clinical testing. Allele origin: germline. Not counted in ClinVar's aggregate classification.
Comment: This variant is classified as likely benign based on ACMG/AMP sequence variant interpretation guidelines (Richards et al. 2015 PMID: 25741868, with internal and published modifications).

NM_003072.5(SMARCA4):c.747C>T (p.Tyr249=)

Gene: SMARCA4 (SWI/SNF related BAF chromatin remodeling complex subunit ATPase 4; plus strand). Cytogenetic location: 19p13.2.
Variant type: single nucleotide variant.
Coding change: c.747C>T on transcript NM_003072.5 (MANE Select); coding-DNA position 747, C replaced by T.
Protein change: p.Tyr249=; no amino-acid change (tyrosine 249 retained).
Molecular consequence: synonymous variant. On other transcripts: non-coding transcript variant (1).
Genome position (GRCh38, 1-based): chr19:10,986,580, C>T. VCF-style: chr19-10986580-C-T. GRCh37 (hg19) VCF-style: chr19-11097256-C-T.
Other names: c.747C>T, p.Tyr249= (NM_001128844.3, NM_001128845.2, NM_001128846.2 and 5 more transcripts); c.747C>T (NM_001128849.2).
Identifiers: ClinVar variation 238519 (VCV000238519.65), dbSNP rs756224211, ClinGen allele CA9203552.
Genomic context (GRCh38, chr19:10,986,580, plus strand): 5'-ACCCGGCCCTGGCCCTGGCCCTGGCCCCGGCCCGGGTCCCGGCCCGGCACCTCCAAATTA[C>T]AGCAGGCCTCATGGTAAGACTGGCTGCCCTGGCCCTCAGGTGTCTCAGAGCGAATGGCTG-3'
Protein context (NP_003063.2, residues 239-259): GPGPGPAPPN[Tyr249=]SRPHGMGGPN